The following is an entry in ClinVar:

ClinVar aggregate classification (germline): Conflicting classifications of pathogenicity. Review status: criteria provided, conflicting classifications (1 of 4 stars). 4 submissions from 4 submitters: Likely pathogenic (1); Uncertain significance (3). Last evaluated 2024-03-29.

Conditions:
Diamond-Blackfan anemia 10 (DBA10). Also called: RPS26-Related Diamond-Blackfan Anemia. Identifiers: Orphanet 124, MedGen C2750080, MONDO:0013217, OMIM 613309.

Submissions (4):

Genomic Medicine Center of Excellence, King Faisal Specialist Hospital and Research Centre
Classification: Uncertain significance for Diamond-Blackfan anemia 10. Last evaluated: 2024-03-29. Review status: criteria provided, single submitter. Criteria: ACMG Guidelines, 2015. Collection method: clinical testing. Allele origin: germline.

GeneDx
Classification: Uncertain significance. Last evaluated: 2023-03-14. Review status: criteria provided, single submitter. Criteria: GeneDx Variant Classification Process June 2021. Collection method: clinical testing. Allele origin: germline. Affected: yes.
Comment: Not observed at significant frequency in large population cohorts (gnomAD); In silico analysis supports that this missense variant does not alter protein structure/function; This variant is associated with the following publications: (PMID: 20116044, 33718801)

Dept. of Cytogenetics, ICMR- National Institute of Immunohaematology
Classification: Likely pathogenic for Diamond-Blackfan anemia 10. Last evaluated: 2021-09-03. Review status: criteria provided, single submitter. Criteria: ACMG Guidelines, 2015. Collection method: clinical testing. Allele origin: paternal. Affected: yes. Observed: 1 variant allele.

Revvity Omics, Revvity
Classification: Uncertain significance for Diamond-Blackfan anemia 10. Last evaluated: 2021-04-16. Review status: criteria provided, single submitter. Criteria: ACMG Guidelines, 2015. Collection method: clinical testing. Allele origin: germline.

Literature cited by the submitters: PubMed 20116044 (cited by Dept. of Cytogenetics, ICMR- National Institute of Immunohaematology).

NM_001029.5(RPS26):c.344T>C (p.Met115Thr)

Gene: RPS26 (ribosomal protein S26; plus strand). Cytogenetic location: 12q13.2.
Variant type: single nucleotide variant.
Coding change: c.344T>C on transcript NM_001029.5 (MANE Select); coding-DNA position 344, T replaced by C.
Protein change: p.Met115Thr; replaces methionine 115 with threonine.
Molecular consequence: missense variant.
Genome position (GRCh38, 1-based): chr12:56,044,150, T>C. VCF-style: chr12-56044150-T-C. GRCh37 (hg19) VCF-style: chr12-56437934-T-C.
Other names: c.344T>C (NM_001029.3); short protein forms M115T.
Identifiers: ClinVar variation 2435481 (VCV002435481.7), dbSNP rs2540724191, ClinGen allele CA385327725.